The following is an entry in ClinVar:

ClinVar aggregate classification (germline): Uncertain significance (1 of 4 stars; one submission).

Allele frequency attached by ClinVar (database versions not stated): TOPMed below 0.00001; ExAC 0.00001.

Submission:

Labcorp Genetics (formerly Invitae), Labcorp
Classification: Uncertain significance. Last evaluated: 2024-08-05. Review status: criteria provided, single submitter. Criteria: Invitae Variant Classification Sherloc (09022015). Collection method: clinical testing. Allele origin: germline.
Comment: This sequence change replaces methionine, which is neutral and non-polar, with leucine, which is neutral and non-polar, at codon 438 of the CLCN6 protein (p.Met438Leu). This variant is present in population databases (rs751766570, gnomAD no frequency). This variant has not been reported in the literature in individuals affected with CLCN6-related conditions. An algorithm developed to predict the effect of missense changes on protein structure and function (PolyPhen-2) suggests that this variant is likely to be tolerated. In summary, the available evidence is currently insufficient to determine the role of this variant in disease. Therefore, it has been classified as a Variant of Uncertain Significance.

NM_001286.5(CLCN6):c.1312A>T (p.Met438Leu)

Gene: CLCN6 (chloride voltage-gated channel 6; plus strand). Cytogenetic location: 1p36.22.
Variant type: single nucleotide variant.
Coding change: c.1312A>T on transcript NM_001286.5 (MANE Select); coding-DNA position 1312, A replaced by T.
Protein change: p.Met438Leu; replaces methionine 438 with leucine.
Molecular consequence: missense variant. On other transcripts: non-coding transcript variant (1).
Genome position (GRCh38, 1-based): chr1:11,833,578, A>T. VCF-style: chr1-11833578-A-T. GRCh37 (hg19) VCF-style: chr1-11893635-A-T.
Other names: c.1246A>T, p.Met416Leu (NM_001256959.2); short protein forms M438L, M416L.
Identifiers: ClinVar variation 2956136 (VCV002956136.3), dbSNP rs751766570, ClinGen allele CA596426.